The following is an entry in ClinVar:

NM_000875.5(IGF1R):c.1862C>T (p.Ser621Leu)

Gene: IGF1R (insulin like growth factor 1 receptor; plus strand). Cytogenetic location: 15q26.3.
Variant type: single nucleotide variant.
Coding change: c.1862C>T on transcript NM_000875.5 (MANE Select); coding-DNA position 1862, C replaced by T.
Protein change: p.Ser621Leu; replaces serine 621 with leucine.
Molecular consequence: missense variant.
Genome position (GRCh38, 1-based): chr15:98,915,997, C>T. VCF-style: chr15-98915997-C-T. GRCh37 (hg19) VCF-style: chr15-99459226-C-T.
Other names: c.1862C>T, p.Ser621Leu (NM_001291858.2); short protein forms S621L.
Identifiers: ClinVar variation 429770 (VCV000429770.4), dbSNP rs1131691583, ClinGen allele CA393679670.

ClinVar aggregate classification (germline): Likely pathogenic (1 of 4 stars; one submission).

Conditions:
IGF1R-related disorder. Also called: IGF1R-related condition.

Submission:

GeneDx
Classification: Likely pathogenic. Last evaluated: 2015-09-10. Review status: criteria provided, single submitter. Criteria: GeneDx Variant Classification (06012015). Collection method: clinical testing. Allele origin: germline. Affected: yes.
Comment: The S621L variant in the IGF1R gene has not been published as a pathogenic variant, nor has it been reported as a benign polymorphism to our knowledge. The S621L variant was not observed in approximately 6500 individuals of European and African American ancestry in the NHLBI Exome Sequencing Project, indicating it is not a common benign variant in these populations. The S621L variant is a non-conservative amino acid substitution, which occurs within the Fibronectin type-III 2 domain at a position that is conserved in mammals. In silico analysis predicts this variant is probably damaging to the protein structure/function. A missense variant in a nearby residue (V629E) has been reported in the Human Gene Mutation Database in association with intrauterine and postnatal growth retardation (Stenson et al., 2014), supporting the functional importance of this region of the protein. The S621L variant is a strong candidate for a disease-causing variant. However the possibility it may be a rare benign variant cannot be excluded.